The following is an entry in ClinVar:

ClinVar aggregate classification (germline): Uncertain significance (1 of 4 stars; one submission).

Conditions:
Ataxia-telangiectasia syndrome (AT). Also called: ATAXIA-TELANGIECTASIA, FRESNO VARIANT; ATAXIA-TELANGIECTASIA, COMPLEMENTATION GROUP A; Ataxia-telangiectasia, complementation group D; AT, COMPLEMENTATION GROUP C; Ataxia telangiectasia (A-T); LOUIS-BAR SYNDROME. Identifiers: Orphanet 100, MedGen C0004135, MONDO:0008840, OMIM 208900.

Submission:

Labcorp Genetics (formerly Invitae), Labcorp
Classification: Uncertain significance for Ataxia-telangiectasia syndrome. Last evaluated: 2021-01-15. Review status: criteria provided, single submitter. Criteria: Invitae Variant Classification Sherloc (09022015). Collection method: clinical testing. Allele origin: germline.
Comment: In summary, the available evidence is currently insufficient to determine the role of this variant in disease. Therefore, it has been classified as a Variant of Uncertain Significance. Algorithms developed to predict the effect of sequence changes on RNA splicing suggest that this variant may create or strengthen a splice site, but this prediction has not been confirmed by published transcriptional studies. This variant has not been reported in the literature in individuals with ATM-related conditions. This variant is not present in population databases (ExAC no frequency). This variant, c.3100_3114dup, results in the insertion of 5 amino acid(s) to the ATM protein (p.Tyr1034_Val1038dup), but otherwise preserves the integrity of the reading frame.

NM_000051.4(ATM):c.3100_3114dup (p.Tyr1034_Val1038dup)

Gene: ATM (ATM serine/threonine kinase; plus strand). Cytogenetic location: 11q22.3.
Variant type: Duplication.
Coding change: c.3100_3114dup on transcript NM_000051.4 (MANE Select); coding-DNA positions 3100 to 3114, 15 bases duplicated (TATATATTCTCTGTA).
Protein change: p.Tyr1034_Val1038dup.
Molecular consequence: inframe insertion.
Genome position (GRCh38, 1-based): chr11:108,272,554-108,272,568, TATATATTCTCTGTA duplicated; duplicating any 15 consecutive bases within chr11:108,272,553-108,272,568 gives the same sequence; the c. name uses the placement nearest the transcript's 3' end. VCF-style (leftmost placement, unchanged base first): chr11-108272552-A-AATATATATTCTCTGT. GRCh37 (hg19) VCF-style: chr11-108143279-A-AATATATATTCTCTGT.
Other names: c.3100_3114dup, p.Tyr1034_Val1038dup (NM_001351834.2).
Identifiers: ClinVar variation 1436293 (VCV001436293.8), dbSNP rs2135565534, ClinGen allele CA2573146628.